The following is an entry in ClinVar:

ClinVar aggregate classification (germline): Likely benign (1 of 4 stars; one submission).

Conditions:
Noonan syndrome 4 (NS4). Also called: SOS1-Related Noonan Syndrome; NOONAN SYNDROME WITH PIGMENTED VILLONODULAR SYNOVITIS. Identifiers: Orphanet 648, MedGen C1853120, MONDO:0012547, OMIM 610733.

Submission:

Victorian Clinical Genetics Services, Murdoch Childrens Research Institute
Classification: Likely benign for Noonan syndrome 4. Last evaluated: 2022-02-02. Review status: criteria provided, single submitter. Criteria: ACMG Guidelines, 2015. Collection method: clinical testing. Allele origin: germline. Inheritance: Autosomal dominant inheritance. Affected: yes.
Comment: Based on the classification scheme VCGS_Germline_v1.3.4, this variant is classified as Likely Benign. Following criteria are met: 0101 - Gain of function is a known mechanism of disease in this gene and is associated with Noonan syndrome 4 (MIM#610733). (I) 0107 - This gene is associated with autosomal dominant disease. (I) 0115 - Variants in this gene are known to have variable expressivity. Due to ascertainment bias and variable expressivity with frequent subtlety of features, the penetrance of Noonan syndrome is difficult to determine; affected adults are often diagnosed only after the diagnosis of a more severely affected child (GeneReviews). (I) 0200 - Variant is predicted to result in a missense amino acid change from glutamic acid to alanine. (I) 0251 - This variant is heterozygous. (I) 0301 - Variant is absent from gnomAD (both v2 and v3). (SP) 0309 - Alternative amino acid changes at the same position have been observed in gnomAD (v2) (2 heterozygotes, 0 homozygotes). (I) 0502 - Missense variant with conflicting in silico predictions and uninformative conservation. (I) 0600 - Variant is located in the annotated RasGEF domain (NCBI). (I) 0705 - No comparable missense variants have previous evidence for pathogenicity. (I) 0807 - This variant has no previous evidence of pathogenicity. (I) 0904 - Non-segregation of this variant with the phenotype under investigation has been clearly demonstrated. (SB) 1007 - No published functional evidence has been identified for this variant. (I) Legend: (SP) - Supporting pathogenic, (I) - Information, (SB) - Supporting benign

NM_005633.4(SOS1):c.2861A>C (p.Glu954Ala)

Gene: SOS1 (SOS Ras/Rac guanine nucleotide exchange factor 1; minus strand). Cytogenetic location: 2p22.1.
Variant type: single nucleotide variant.
Coding change: c.2861A>C on transcript NM_005633.4 (MANE Select); coding-DNA position 2861, A replaced by C.
Protein change: p.Glu954Ala; replaces glutamic acid 954 with alanine.
Molecular consequence: missense variant.
Genome position (GRCh38, 1-based): chr2:38,997,356, T>G on the plus strand (A>C on the coding strand, the complement: SOS1 is on the minus strand). VCF-style: chr2-38997356-T-G. GRCh37 (hg19) VCF-style: chr2-39224497-T-G.
Other names: c.2840A>C, p.Glu947Ala (NM_001382394.1); c.2861A>C, p.Glu954Ala (NM_001382395.1); short protein forms E947A, E954A.
Identifiers: ClinVar variation 1804993 (VCV001804993.1), dbSNP rs2528926385, ClinGen allele CA346361810.